The following is an entry in ClinVar:

NM_173648.4(CCDC141):c.3321del (p.Leu1107fs)

Gene: CCDC141 (coiled-coil domain containing 141; minus strand). Cytogenetic location: 2q31.2.
Variant type: Deletion.
Coding change: c.3321del on transcript NM_173648.4 (MANE Select); coding-DNA position 3321, one base deleted (A; older notation c.3321delA).
Protein change: p.Leu1107fs; shifts the reading frame from leucine 1107.
Molecular consequence: frameshift variant.
Genome position (GRCh38, 1-based): chr2:178,850,085, T deleted on the plus strand (A on the coding strand, the reverse complement: CCDC141 is on the minus strand). VCF-style (leftmost placement, unchanged base first): chr2-178850084-AT-A. GRCh37 (hg19) VCF-style: chr2-179714811-AT-A.
Other names: short protein forms L1107fs.
Identifiers: ClinVar variation 2716389 (VCV002716389.3), dbSNP rs766744078, ClinGen allele CA2006751.

ClinVar aggregate classification (germline): Uncertain significance (1 of 4 stars; one submission).

Allele frequency attached by ClinVar (database versions not stated): TOPMed 0.00009; gnomAD 0.00015; gnomAD exomes 0.00015; 1000 Genomes Project 30x 0.00016; ESP Exome Variant Server 0.00024; ExAC 0.00032.

Submission:

Labcorp Genetics (formerly Invitae), Labcorp
Classification: Uncertain significance. Last evaluated: 2023-07-25. Review status: criteria provided, single submitter. Criteria: Invitae Variant Classification Sherloc (09022015). Collection method: clinical testing. Allele origin: germline.
Comment: In summary, the available evidence is currently insufficient to determine the role of this variant in disease. Therefore, it has been classified as a Variant of Uncertain Significance. This variant has not been reported in the literature in individuals affected with CCDC141-related conditions. This variant is present in population databases (rs766744078, gnomAD 0.2%), and has an allele count higher than expected for a pathogenic variant. This sequence change creates a premature translational stop signal (p.Leu1107Phefs*12) in the CCDC141 gene. It is expected to result in an absent or disrupted protein product. However, the current clinical and genetic evidence is not sufficient to establish whether loss-of-function variants in CCDC141 cause disease.